The following is an entry in ClinVar:

ClinVar aggregate classification (germline): Uncertain significance (1 of 4 stars; one submission).

Conditions:
Cardiovascular phenotype. Identifiers: MedGen CN230736.

Allele frequency attached by ClinVar (database versions not stated): ESP Exome Variant Server 0.00008.

Submission:

Ambry Genetics
Classification: Uncertain significance for Cardiovascular phenotype. Last evaluated: 2022-06-09. Review status: criteria provided, single submitter. Criteria: Ambry Variant Classification Scheme 2023. Collection method: clinical testing. Allele origin: germline.
Comment: The p.R324H variant (also known as c.971G>A), located in coding exon 1 of the CHST14 gene, results from a G to A substitution at nucleotide position 971. The arginine at codon 324 is replaced by histidine, an amino acid with highly similar properties. This amino acid position is conserved. In addition, the in silico prediction for this alteration is inconclusive. Since supporting evidence is limited at this time, the clinical significance of this alteration remains unclear.

NM_130468.4(CHST14):c.971G>A (p.Arg324His)

Gene: CHST14 (carbohydrate sulfotransferase 14; plus strand). Cytogenetic location: 15q15.1.
Variant type: single nucleotide variant.
Coding change: c.971G>A on transcript NM_130468.4 (MANE Select); coding-DNA position 971, G replaced by A.
Protein change: p.Arg324His; replaces arginine 324 with histidine.
Molecular consequence: missense variant.
Genome position (GRCh38, 1-based): chr15:40,472,184, G>A. VCF-style: chr15-40472184-G-A. GRCh37 (hg19) VCF-style: chr15-40764383-G-A.
Other names: short protein forms R324H.
Identifiers: ClinVar variation 1767973 (VCV001767973.2), dbSNP rs376435449, ClinGen allele CA7481674.